The following is an entry in ClinVar:

ClinVar aggregate classification (germline): Pathogenic (0 of 4 stars; one submission).

Submission:

Quest Diagnostics Nichols Institute San Juan Capistrano
Classification: Pathogenic. Last evaluated: 2020-10-06. Review status: no assertion criteria provided. Collection method: clinical testing. Allele origin: germline.
Comment: This deletion involves exons 45 of DMD gene (OMIM 300377). Adjacent exons (44 and 46) of DMD gene showed normal copy number. This is an out-of-frame deletion. Loss-of-function variants in DMD, such as entire or intragenic deletions and duplications as well as sequence variants, cause X-linked recessive Duchenne muscular dystrophy and Becker muscular dystrophy (OMIM 310200 and 300376) and Cardiomyopathy, dilated, 3B (OMIM 302045). Age of onset and severity of progressive muscular weakness depend on the variants characteristics. In general, in-frame variants have often been seen in patients with milder phenotype, while out-of-frame variants associate with more severe phenotype. Manifesting female carriers may demonstrate variable degrees of symptoms (mild, moderate, or severe muscular dystrophy) depending, in part, on patterns of X-chromosome inactivation. Similar deletions of exon 45 have been reported in patients ( Hum Mutat. 2020 Mar;41(3):668-677. PMID: 31705731; Am J Med Genet C Semin Med Genet. 2019 Jun;181(2):230-244. PMID: 31081998; J Neurol Sci. 2016 Jun 15;365:22-30. PMID: 27206868; J Hum Genet. 2016 Jun;61(6):483-9. PMID: 26911353; Genome Res. 2012 Jan;22(1):25-34. PMID: 22090376 etc.).

GRCh37/hg19 Xp21.1(chrX:31962948-32117422)x0

Gene: DMD (dystrophin; minus strand). Cytogenetic location: Xp21.1.
Variant type: copy number loss.
Change: copy number 0 of chrX:31,962,948-32,117,422 (154.5 kb, GRCh37 coordinates, 1-based), cytogenetic band Xp21.1.
Identifiers: ClinVar variation 1341093 (VCV001341093.1).